The following is an entry in ClinVar:

NM_001374828.1(ARID1B):c.1915C>T (p.Gln639Ter)

Gene: ARID1B (AT-rich interaction domain 1B; plus strand). Cytogenetic location: 6q25.3.
Variant type: single nucleotide variant.
Coding change: c.1915C>T on transcript NM_001374828.1 (MANE Select); coding-DNA position 1915, C replaced by T.
Protein change: p.Gln639Ter; replaces glutamine 639 with a stop codon.
Molecular consequence: nonsense.
Genome position (GRCh38, 1-based): chr6:156,829,350, C>T. VCF-style: chr6-156829350-C-T. GRCh37 (hg19) VCF-style: chr6-157150484-C-T.
Other names: c.1915C>T, p.Gln639Ter (NM_001371656.1, NM_001374820.1, NM_017519.3); c.1666C>T (NM_020732.3); short protein forms Q639*.
Identifiers: ClinVar variation 3364523 (VCV003364523.2).
Genomic context (GRCh38, chr6:156,829,350, plus strand): 5'-CATTCTCAGCCTCAGCAGAGCAGTCCGTACCCAGGAGGTTCCTATGGCCCTCCAGGCCCA[C>T]AGCGGTATCCAATTGGCATCCAGGGTCGGACTCCCGGGGCCATGGCCGGAATGCAGTACC-3'

ClinVar aggregate classification (germline): Pathogenic. Review status: criteria provided, multiple submitters, no conflicts (2 of 4 stars). 2 submissions from 2 submitters: Pathogenic (2). Last evaluated 2025-11-14.

Conditions:
Coffin-Siris syndrome 1 (CSS1). Also called: Mental retardation, autosomal dominant 12; ARID1B-Related Coffin-Siris Syndrome. Identifiers: Orphanet 1465, MedGen C3281201, MONDO:0007617, OMIM 135900. Disease mechanism: gain of function.

Submissions (2):

3billion
Classification: Pathogenic for Coffin-Siris syndrome 1. Last evaluated: 2025-11-14. Review status: criteria provided, single submitter. Criteria: ACMG Guidelines, 2015. Collection method: clinical testing. Allele origin: germline. Affected: yes.
Comment: The variant is not observed in the gnomAD v4.1.0 dataset. Predicted Consequence/Location: Stop-gained (nonsense): predicted to result in a loss or disruption of normal protein function through nonsense-mediated decay (NMD) or protein truncation. Multiple pathogenic variants are reported downstream of the variant. The variant has been reported to be associated with ARID1B-related disorder (ClinVar ID: VCV003364523 /PMID: 39726094). Therefore, this variant is classified as Pathogenic according to the recommendation of ACMG/AMP guideline.

GeneDx
Classification: Pathogenic. Last evaluated: 2023-11-20. Review status: criteria provided, single submitter. Criteria: GeneDx Variant Classification Process June 2021. Collection method: clinical testing. Allele origin: germline. Affected: yes.
Comment: Nonsense variant predicted to result in protein truncation or nonsense mediated decay in a gene for which loss of function is a known mechanism of disease; Not observed at significant frequency in large population cohorts (gnomAD); Has not been previously published as pathogenic or benign to our knowledge

Literature cited by the submitters: PubMed 39726094 (cited by 3billion).